The following is an entry in ClinVar:

NC_000008.10:g.(?_31030501)_(31030618_?)del

Gene: WRN (WRN RecQ like helicase; plus strand). Cytogenetic location: 8p12.
Variant type: Deletion.
Identifiers: ClinVar variation 1046425 (VCV001046425.6).

ClinVar aggregate classification (germline): Uncertain significance (1 of 4 stars; one submission).

Conditions:
Werner syndrome (WRN). Identifiers: Orphanet 902, MedGen C0043119, MONDO:0010196, OMIM 277700.

Submission:

Labcorp Genetics (formerly Invitae), Labcorp
Classification: Uncertain significance for Werner syndrome. Last evaluated: 2023-09-23. Review status: criteria provided, single submitter. Criteria: Invitae Variant Classification Sherloc (09022015). Collection method: clinical testing. Allele origin: germline.
Comment: This variant is a gross deletion of the genomic region encompassing exon(s) 35 of the WRN gene, which includes the termination codon. This deletion extends beyond the assayed region for this gene and therefore may encompass additional genes. While this deletion is not anticipated to lead to nonsense mediated decay, it is expected to alter mRNA translation or result in a truncated protein product. This variant has not been reported in the literature in individuals affected with WRN-related conditions. Experimental studies and prediction algorithms are not available or were not evaluated, and the functional significance of this variant is currently unknown. In summary, the available evidence is currently insufficient to determine the role of this variant in disease. Therefore, it has been classified as a Variant of Uncertain Significance.